The following is an entry in ClinVar:

NM_016203.4(PRKAG2):c.864+10C>G

Gene: PRKAG2 (protein kinase AMP-activated non-catalytic subunit gamma 2; minus strand). Cytogenetic location: 7q36.1.
Variant type: single nucleotide variant.
Coding change: c.864+10C>G on transcript NM_016203.4 (MANE Select); 10 bases into the intron after coding-DNA position 864, C replaced by G.
Molecular consequence: intron variant.
Genome position (GRCh38, 1-based): chr7:151,595,335, G>C on the plus strand (C>G on the coding strand, the complement: PRKAG2 is on the minus strand). VCF-style: chr7-151595335-G-C. GRCh37 (hg19) VCF-style: chr7-151292421-G-C.
Other names: c.732+10C>G (NM_001040633.2); c.489+10C>G (NM_001304527.2); c.492+10C>G (NM_001363698.2); c.141+10C>G (NM_001304531.2, NM_024429.2).
Identifiers: ClinVar variation 512145 (VCV000512145.9), dbSNP rs1554480836, ClinGen allele CA658797058.
Genomic context (GRCh38, chr7:151,595,335, plus strand): 5'-TTAAATTACTGTATAAAGTAGTAGCCATCCAAAAAATACCAAAAAATTCATGAAAATGGA[G>C]TACACTTACTTGTAATGTAGTATCAAAGACAACAAGCTTTGAACTGGTTGGAACGATGTC-3'

ClinVar aggregate classification (germline): Likely benign. Review status: criteria provided, multiple submitters, no conflicts (2 of 4 stars). 2 submissions from 2 submitters: Likely benign (2). Last evaluated 2024-05-22.

Conditions:
Lethal congenital glycogen storage disease of heart. Also called: PHOSPHORYLASE KINASE DEFICIENCY OF HEART; GLYCOGEN STORAGE DISEASE OF HEART. Identifiers: Orphanet 439854, MedGen C1849813, MONDO:0009867, OMIM 261740.

Submissions (2):

Labcorp Genetics (formerly Invitae), Labcorp
Classification: Likely benign for Lethal congenital glycogen storage disease of heart. Last evaluated: 2024-05-22. Review status: criteria provided, single submitter. Criteria: Invitae Variant Classification Sherloc (09022015). Collection method: clinical testing. Allele origin: germline.

GeneDx
Classification: Likely benign. Last evaluated: 2017-10-05. Review status: criteria provided, single submitter. Criteria: GeneDx Variant Classification (06012015). Collection method: clinical testing. Allele origin: germline. Affected: yes.
Comment: This variant is considered likely benign or benign based on one or more of the following criteria: it is a conservative change, it occurs at a poorly conserved position in the protein, it is predicted to be benign by multiple in silico algorithms, and/or has population frequency not consistent with disease.